The following is an entry in ClinVar:

ClinVar aggregate classification (germline): Uncertain significance (1 of 4 stars; one submission).

Conditions:
Hereditary cancer-predisposing syndrome. Also called: Hereditary Cancer Syndrome; Tumor predisposition; Hereditary neoplastic syndrome; Neoplastic Syndromes, Hereditary. Identifiers: Orphanet 140162, MedGen C0027672, MeSH D009386, MONDO:0015356.

Submission:

Ambry Genetics
Classification: Uncertain significance for Hereditary cancer-predisposing syndrome. Last evaluated: 2024-09-02. Review status: criteria provided, single submitter. Criteria: Ambry Variant Classification Scheme 2023. Collection method: clinical testing. Allele origin: germline.
Comment: The p.L57P variant (also known as c.170T>C), located in coding exon 1 of the MET gene, results from a T to C substitution at nucleotide position 170. The leucine at codon 57 is replaced by proline, an amino acid with similar properties. This amino acid position is conserved. In addition, this alteration is predicted to be tolerated by in silico analysis. Based on the available evidence, the clinical significance of this variant remains unclear.

NM_000245.4(MET):c.170T>C (p.Leu57Pro)

Gene: MET (MET proto-oncogene, receptor tyrosine kinase; plus strand). Cytogenetic location: 7q31.2.
Variant type: single nucleotide variant.
Coding change: c.170T>C on transcript NM_000245.4 (MANE Select); coding-DNA position 170, T replaced by C.
Protein change: p.Leu57Pro; replaces leucine 57 with proline.
Molecular consequence: missense variant. On other transcripts: intron variant (1).
Genome position (GRCh38, 1-based): chr7:116,699,254, T>C. VCF-style: chr7-116699254-T-C. GRCh37 (hg19) VCF-style: chr7-116339308-T-C.
Other names: c.170T>C, p.Leu57Pro (NM_001127500.3, NM_001324401.3); c.-91+26677T>C (NM_001324402.2); short protein forms L57P.
Identifiers: ClinVar variation 3395146 (VCV003395146.1).